The following is an entry in ClinVar:

NM_001130987.2(DYSF):c.1577-1826C>T

Gene: DYSF (dysferlin; plus strand). Cytogenetic location: 2p13.2.
Variant type: single nucleotide variant.
Coding change: c.1577-1826C>T on transcript NM_001130987.2 (MANE Select); 1826 bases into the intron before coding-DNA position 1577, C replaced by T.
Molecular consequence: intron variant.
Genome position (GRCh38, 1-based): chr2:71,549,215, C>T. VCF-style: chr2-71549215-C-T. GRCh37 (hg19) VCF-style: chr2-71776345-C-T.
Other names: c.1574-135C>T (NM_001130979.2); c.1574-1826C>T (NM_001130981.2, NM_001130980.2); c.1481-135C>T (NM_001130978.2, NM_003494.4); c.1481-1826C>T (NM_001130977.2, NM_001130976.2); c.1577-135C>T (NM_001130982.2); c.1577-1826C>T (NM_001130985.2); c.1484-135C>T (NM_001130983.2, NM_001130455.2); c.1484-1826C>T (NM_001130984.2, NM_001130986.2).
Identifiers: ClinVar variation 679420 (VCV000679420.2), dbSNP rs736096, ClinGen allele CA11118027.

ClinVar aggregate classification (germline): Benign. Review status: criteria provided, multiple submitters, no conflicts (2 of 4 stars). 2 submissions from 2 submitters: Benign (2). Last evaluated 2018-06-14.

Allele frequency attached by ClinVar (database versions not stated): 1000 Genomes Project 30x 0.45253; 1000 Genomes Project 0.45387; TOPMed 0.58368; gnomAD 0.58926 and 0.59835.

Submissions (2):

GeneDx
Classification: Benign. Last evaluated: 2018-06-14. Review status: criteria provided, single submitter. Criteria: GeneDx Variant Classification (06012015). Collection method: clinical testing. Allele origin: germline. Affected: yes.
Comment: This variant is considered likely benign or benign based on one or more of the following criteria: it is a conservative change, it occurs at a poorly conserved position in the protein, it is predicted to be benign by multiple in silico algorithms, and/or has population frequency not consistent with disease.

Breakthrough Genomics
Classification: Benign. Review status: criteria provided, single submitter. Criteria: ACMG Guidelines, 2015. Collection method: not provided. Allele origin: germline. Inheritance: Autosomal recessive inheritance. Affected: yes.